The following is an entry in ClinVar:

ClinVar aggregate classification (germline): Uncertain significance (1 of 4 stars; one submission).

Conditions:
Autosomal dominant Robinow syndrome 3. Identifiers: Orphanet 3107, Orphanet 97360, MedGen C4225164, MONDO:0014819, OMIM 616894.

Submission:

MVZ Medizinische Genetik Mainz
Classification: Uncertain significance for Autosomal dominant Robinow syndrome 3. Last evaluated: 2024-07-11. Review status: criteria provided, single submitter. Criteria: UK Practice Guidelines For Variant Classification V4 01 2020. Collection method: clinical testing. Allele origin: germline. Inheritance: Autosomal dominant inheritance. Affected: yes. Observed: 1 variant allele.
Comment: ACMG Criteria: PVS1_STR,PM2_SUP

NM_004423.4(DVL3):c.1947_1950del (p.His650fs)

Gene: DVL3 (dishevelled segment polarity protein 3; plus strand). Cytogenetic location: 3q27.1.
Variant type: Microsatellite.
Coding change: c.1947_1950del on transcript NM_004423.4 (MANE Select); coding-DNA positions 1947 to 1950, 4 bases deleted (ACAC; older notation c.1947_1950delACAC).
Protein change: p.His650fs; shifts the reading frame from histidine 650.
Molecular consequence: frameshift variant.
Genome position (GRCh38, 1-based): chr3:184,170,551-184,170,554, ACAC deleted; deleting any 4 consecutive bases within chr3:184,170,546-184,170,554 gives the same sequence; the c. name uses the placement nearest the transcript's 3' end. VCF-style (leftmost placement, unchanged base first): chr3-184170545-CCACA-C. GRCh37 (hg19) VCF-style: chr3-183888333-CCACA-C.
Other names: short protein forms H650fs.
Identifiers: ClinVar variation 3338369 (VCV003338369.1).